The following is an entry in ClinVar:

NM_001365951.3(KIF1B):c.2875G>A (p.Gly959Arg)

Genes: KIF1B (kinesin family member 1B; plus strand), LOC126805614 (BRD4-independent group 4 enhancer GRCh37_chr1:10385546-10386745; plus strand). Cytogenetic location: 1p36.22.
Variant type: single nucleotide variant.
Coding change: c.2875G>A on transcript NM_001365951.3 (MANE Select); coding-DNA position 2875, G replaced by A.
Protein change: p.Gly959Arg; replaces glycine 959 with arginine.
Molecular consequence: missense variant.
Genome position (GRCh38, 1-based): chr1:10,326,310, G>A. VCF-style: chr1-10326310-G-A. GRCh37 (hg19) VCF-style: chr1-10386368-G-A.
Other names: c.2875G>A, p.Gly959Arg (NM_001365952.1); c.2737G>A, p.Gly913Arg (NM_015074.3); short protein forms G913R, G959R.
Identifiers: ClinVar variation 3288394 (VCV003288394.1).

ClinVar aggregate classification (germline): Uncertain significance (1 of 4 stars; one submission).

gnomAD v4.1: 4 of 1,614,132 alleles (0.00025%); highest among the groups gnomAD compares: East Asian, 0.0022%; no homozygotes.

Submission:

Ambry Genetics
Classification: Uncertain significance. Last evaluated: 2024-03-25. Review status: criteria provided, single submitter. Criteria: Ambry Variant Classification Scheme 2023. Collection method: clinical testing. Allele origin: germline.
Comment: The p.G913R variant (also known as c.2737G>A), located in coding exon 24 of the KIF1B gene, results from a G to A substitution at nucleotide position 2737. The glycine at codon 913 is replaced by arginine, an amino acid with dissimilar properties. This amino acid position is highly conserved in available vertebrate species. In addition, this alteration is predicted to be deleterious by in silico analysis. The evidence for this gene-disease relationship is limited; therefore, the clinical significance of this alteration is unclear.